The following is an entry in ClinVar:

ClinVar aggregate classification (germline): Pathogenic/Likely pathogenic. Review status: criteria provided, multiple submitters, no conflicts (2 of 4 stars). 4 submissions from 4 submitters: Pathogenic (2); Likely pathogenic (2). Last evaluated 2024-09-04.

Conditions:
Benign familial hematuria. Also called: thin basement membrane disease. Identifiers: MedGen C0241908, MONDO:0957317.
Autosomal recessive Alport syndrome (ATS2). Also called: COL4A4 Alport Syndrome and Thin Basement Membrane Nephropathy; ALPORT SYNDROME 2, AUTOSOMAL RECESSIVE; COL4A3-Related Nephropathy; Alport syndrome type 2. Identifiers: Orphanet 63, Orphanet 88919, MedGen C4746745, MONDO:0008762, OMIM 203780.
Autosomal dominant Alport syndrome (ATS3A). Also called: Alport syndrome dominant type; Renal failure and sensorineural hearing loss; ALPORT SYNDROME 3A, AUTOSOMAL DOMINANT. Identifiers: Orphanet 63, Orphanet 88918, MedGen C5882663, MONDO:0007086, OMIM 104200.
Alport syndrome 3b, autosomal recessive. Identifiers: MedGen C5882699, MONDO:0957811, OMIM 620536.
Hematuria, benign familial, 2 (BFH2). Identifiers: MedGen C5830421, MONDO:0958186, OMIM 620320.

Allele frequency attached by ClinVar (database versions not stated): gnomAD exomes below 0.00001; TOPMed 0.00002.

Submissions (4):

3billion
Classification: Pathogenic for Alport syndrome 3b, autosomal recessive. Last evaluated: 2024-09-04. Review status: criteria provided, single submitter. Criteria: ACMG Guidelines, 2015. Collection method: clinical testing. Allele origin: germline. Affected: yes.
Comment: The variant is observed at an extremely low frequency in the gnomAD v4.0.0 dataset (total allele frequency: <0.001%). Predicted Consequence/Location: Frameshift: predicted to result in a loss or disruption of normal protein function through nonsense-mediated decay (NMD) or protein truncation. Multiple pathogenic variants are reported downstream of the variant. The variant has been reported at least twice as pathogenic without evidence for the classification (ClinVar ID: VCV000225321 /PMID: 33772369). Therefore, this variant is classified as Pathogenic according to the recommendation of ACMG/AMP guideline.

Labcorp Genetics (formerly Invitae), Labcorp
Classification: Pathogenic. Last evaluated: 2019-07-29. Review status: criteria provided, single submitter. Criteria: Invitae Variant Classification Sherloc (09022015). Collection method: clinical testing. Allele origin: germline.
Comment: This sequence change creates a premature translational stop signal (p.Pro279Alafs*8) in the COL4A3 gene. It is expected to result in an absent or disrupted protein product. This variant is not present in population databases (ExAC no frequency). For these reasons, this variant has been classified as Pathogenic. Loss-of-function variants in COL4A3 are known to be pathogenic (PMID: 8956999, 24854265, 26809805, 27281700). This variant has not been reported in the literature in individuals with COL4A3-related conditions. ClinVar contains an entry for this variant (Variation ID: 225321).

Soonchunhyang University Bucheon Hospital, Soonchunhyang University Medical Center
Classification: Likely pathogenic for Autosomal dominant Alport syndrome; Autosomal recessive Alport syndrome; Hematuria, benign familial, 1. Last evaluated: 2016-03-18. Review status: criteria provided, single submitter. Criteria: ACMG Guidelines, 2015. Collection method: reference population. Allele origin: germline. Observed: 1 variant allele.

Juno Genomics, Hangzhou Juno Genomics, Inc
Classification: Likely pathogenic for Autosomal dominant Alport syndrome; Alport syndrome 3b, autosomal recessive; Hematuria, benign familial, 2. Review status: criteria provided, single submitter. Criteria: ACMG Guidelines, 2015. Collection method: clinical testing. Allele origin: germline.
Comment: Absent from controls (or at extremely low frequency if recessive) in Genome Aggregation Database.;Null variant in a gene where loss of function (LOF) is a known mechanism of disease.

Literature cited by the submitters: PubMed 33772369 (cited by 3billion); PubMed 8956999 (cited by Labcorp Genetics (formerly Invitae), Labcorp); PubMed 24854265 (cited by Labcorp Genetics (formerly Invitae), Labcorp); PubMed 26809805 (cited by Labcorp Genetics (formerly Invitae), Labcorp); PubMed 27281700 (cited by Labcorp Genetics (formerly Invitae), Labcorp); PubMed 9195222 (cited by Soonchunhyang University Bucheon Hospital, Soonchunhyang University Medical Center).

NM_000091.5(COL4A3):c.833dup (p.Pro279fs)

Genes: COL4A3 (collagen type IV alpha 3 chain; plus strand), MFF-DT (MFF divergent transcript; minus strand). Cytogenetic location: 2q36.3.
Variant type: Duplication.
Coding change: c.833dup on transcript NM_000091.5 (MANE Select); coding-DNA position 833, one base duplicated (T; older notation c.833dupT).
Protein change: p.Pro279fs; shifts the reading frame from proline 279.
Molecular consequence: frameshift variant.
Genome position (GRCh38, 1-based): chr2:227,254,660, T duplicated. VCF-style (leftmost placement, unchanged base first): chr2-227254659-C-CT. GRCh37 (hg19) VCF-style: chr2-228119375-C-CT.
Other names: c.833dupT (NM_000091.4); short protein forms P279fs.
Identifiers: ClinVar variation 225321 (VCV000225321.12), dbSNP rs1363680371, ClinGen allele CA645293860.